The following is an entry in ClinVar:

NM_002834.5(PTPN11):c.1641T>A (p.Tyr547Ter)

Gene: PTPN11 (protein tyrosine phosphatase non-receptor type 11; plus strand). Cytogenetic location: 12q24.13.
Variant type: single nucleotide variant.
Coding change: c.1641T>A on transcript NM_002834.5 (MANE Select); coding-DNA position 1641, T replaced by A.
Protein change: p.Tyr547Ter; replaces tyrosine 547 with a stop codon.
Molecular consequence: nonsense.
Genome position (GRCh38, 1-based): chr12:112,502,185, T>A. VCF-style: chr12-112502185-T-A. GRCh37 (hg19) VCF-style: chr12-112939989-T-A.
Other names: c.1653T>A, p.Tyr551Ter (NM_001330437.2); c.1638T>A, p.Tyr546Ter (NM_001374625.1); short protein forms Y546*, Y547*, Y551*.
Identifiers: ClinVar variation 3717035 (VCV003717035.2).
Genomic context (GRCh38, chr12:112,502,185, plus strand): 5'-GCACTCTTCCAAATTTCAGAAAAGCAAGAGGAAAGGGCACGAATATACAAATATTAAGTA[T>A]TCTCTAGCGGACCAGACGAGTGGAGATCAGAGCCCTCTCCCGCCTTGTACTCCAACGCCA-3'

ClinVar aggregate classification (germline): Pathogenic (1 of 4 stars; one submission).

Conditions:
RASopathy. Also called: rasopathies; Noonan spectrum disorder. Identifiers: Orphanet 536391, MedGen C5555857, MONDO:0021060.

Submission:

Labcorp Genetics (formerly Invitae), Labcorp
Classification: Pathogenic for RASopathy. Last evaluated: 2024-09-14. Review status: criteria provided, single submitter. Criteria: Invitae Variant Classification Sherloc (09022015). Collection method: clinical testing. Allele origin: germline.
Comment: This sequence change creates a premature translational stop signal (p.Tyr547*) in the PTPN11 gene. It is expected to result in an absent or disrupted protein product. Loss-of-function variants in PTPN11 are known to be pathogenic (PMID: 20577567, 21533187). This variant is not present in population databases (gnomAD no frequency). This variant has not been reported in the literature in individuals affected with PTPN11-related conditions. For these reasons, this variant has been classified as Pathogenic.

Literature cited by the submitters: PubMed 20577567; PubMed 21533187.